The following is an entry in ClinVar:

ClinVar aggregate classification (germline): Uncertain significance (1 of 4 stars; one submission).

Conditions:
Hereditary cancer-predisposing syndrome. Also called: Tumor predisposition; Neoplastic Syndromes, Hereditary; Hereditary Cancer Syndrome; Hereditary neoplastic syndrome. Identifiers: Orphanet 140162, MedGen C0027672, MeSH D009386, MONDO:0015356.

Submission:

Ambry Genetics
Classification: Uncertain significance for Hereditary cancer-predisposing syndrome. Last evaluated: 2025-01-01. Review status: criteria provided, single submitter. Criteria: Ambry Variant Classification Scheme 2023. Collection method: clinical testing. Allele origin: germline.
Comment: The p.V150L variant (also known as c.448G>C), located in coding exon 5 of the MITF gene, results from a G to C substitution at nucleotide position 448. The valine at codon 150 is replaced by leucine, an amino acid with highly similar properties. This amino acid position is conserved. In addition, this alteration is predicted to be tolerated by in silico analysis. Based on the available evidence, the clinical significance of this variant remains unclear.

NM_001354604.2(MITF):c.769G>C (p.Val257Leu)

Gene: MITF (melanocyte inducing transcription factor; plus strand). Cytogenetic location: 3p13.
Variant type: single nucleotide variant.
Coding change: c.769G>C on transcript NM_001354604.2 (MANE Select); coding-DNA position 769, G replaced by C.
Protein change: p.Val257Leu; replaces valine 257 with leucine.
Molecular consequence: missense variant.
Genome position (GRCh38, 1-based): chr3:69,949,057, G>C. VCF-style: chr3-69949057-G-C. GRCh37 (hg19) VCF-style: chr3-69998208-G-C.
Other names: c.448G>C, p.Val150Leu (NM_000248.4, NM_198158.3); c.613G>C, p.Val205Leu (NM_001184967.2, NM_001354608.2); c.766G>C, p.Val256Leu (NM_001354605.2, NM_001354606.2, NM_006722.3); c.718G>C, p.Val240Leu (NM_001354607.2); c.769G>C, p.Val257Leu (NM_198159.3); c.721G>C, p.Val241Leu (NM_198177.3); c.280G>C, p.Val94Leu (NM_198178.3); short protein forms V150L, V256L, V94L, V241L, V257L, V205L, V240L.
Identifiers: ClinVar variation 3873213 (VCV003873213.1).